The following is an entry in ClinVar:

NM_033337.3(CAV3):c.115-13G>C

Genes: CAV3 (caveolin 3; plus strand), OXTR (oxytocin receptor; minus strand). Cytogenetic location: 3p25.3.
Variant type: single nucleotide variant.
Coding change: c.115-13G>C on transcript NM_033337.3 (MANE Select); 13 bases into the intron before coding-DNA position 115, G replaced by C.
Molecular consequence: intron variant.
Genome position (GRCh38, 1-based): chr3:8,745,513, G>C. VCF-style: chr3-8745513-G-C. GRCh37 (hg19) VCF-style: chr3-8787199-G-C.
Other names: c.115-13G>C (NM_001234.5).
Identifiers: ClinVar variation 46532 (VCV000046532.17), dbSNP rs368367319, ClinGen allele CA138556.

ClinVar aggregate classification (germline): Benign/Likely benign. Review status: criteria provided, multiple submitters, no conflicts (2 of 4 stars). 6 submissions from 6 submitters: Benign (1); Likely benign (3). 2 of the submissions do not count toward it. Last evaluated 2025-12-15.

Conditions:
Long QT syndrome (LQTS). Identifiers: MedGen C0023976, MeSH D008133, MONDO:0002442. Disease mechanism: loss of function. Inheritance: Various modes of inheritance.

Allele frequency attached by ClinVar (database versions not stated): gnomAD exomes 0.00002 and 0.00004; ExAC 0.00005; gnomAD 0.00019 and 0.00020; 1000 Genomes Project 0.00020; TOPMed 0.00025; 1000 Genomes Project 30x 0.00031; ESP Exome Variant Server 0.00038.
gnomAD v4.1: 65 of 1,608,454 alleles (0.004%); highest among the groups gnomAD compares: African/African-American, 0.075%; 1 homozygote.

Submissions (6):

Labcorp Genetics (formerly Invitae), Labcorp
Classification: Likely benign for Long QT syndrome. Last evaluated: 2025-12-15. Review status: criteria provided, single submitter. Criteria: Invitae Variant Classification Sherloc (09022015). Collection method: clinical testing. Allele origin: germline.

Women's Health and Genetics/Laboratory Corporation of America, LabCorp
Classification: Benign. Last evaluated: 2024-03-29. Review status: criteria provided, single submitter. Criteria: LabCorp Variant Classification Summary - May 2015. Collection method: clinical testing. Allele origin: germline.
Comment: Variant summary: CAV3 c.115-13G>C alters a non-conserved nucleotide located at a position not widely known to affect splicing. Consensus agreement among computation tools predict no significant impact on normal splicing. However, these predictions have yet to be confirmed by functional studies. The variant allele was found at a frequency of 4.4e-05 in 250288 control chromosomes. The observed variant frequency is approximately 13.18 fold of the estimated maximal expected allele frequency for a pathogenic variant in CAV3 causing Long QT Syndrome phenotype (3.3e-06), strongly suggesting that the variant is benign. c.115-13G>C has been reported in the literature in individuals affected with DCM without strong evidence for causality (Pugh_2014). These report(s) do not provide unequivocal conclusions about association of the variant with Long QT Syndrome. To our knowledge, no experimental evidence demonstrating an impact on protein function has been reported. ClinVar contains an entry for this variant (Variation ID: 46532). Based on the evidence outlined above, the variant was classified as benign.

GeneDx
Classification: Likely benign. Last evaluated: 2021-05-19. Review status: criteria provided, single submitter. Criteria: GeneDx Variant Classification Process June 2021. Collection method: clinical testing. Allele origin: germline. Affected: yes.
Comment: This variant is associated with the following publications: (PMID: 24503780)

Laboratory for Molecular Medicine, Mass General Brigham Personalized Medicine
Classification: Likely benign. Last evaluated: 2017-08-10. Review status: criteria provided, single submitter. Criteria: LMM Criteria. Collection method: clinical testing. Allele origin: germline. Observed: 4 variant alleles.
Comment: c.115-13G>C in intron 1 of CAV3: This variant is not expected to have clinical s ignificance because it is not located within the splice consensus sequence. It h as been identified in 12/24004 African chromosomes by the Genome Aggregation Dat abase (gnomAD; dbSNP rs368367319).

Clinical Genetics DNA and cytogenetics Diagnostics Lab, Erasmus MC, Erasmus Medical Center
Classification: Benign. Review status: no assertion criteria provided. Collection method: clinical testing. Allele origin: germline. Affected: yes. Study: VKGL Data-share Consensus. Not counted in ClinVar's aggregate classification.

Laboratory of Diagnostic Genome Analysis, Leiden University Medical Center (LUMC)
Classification: Likely benign. Review status: no assertion criteria provided. Collection method: clinical testing. Allele origin: germline. Affected: yes. Study: VKGL Data-share Consensus. Not counted in ClinVar's aggregate classification.

Literature cited by the submitters: PubMed 24503780 (cited by Women's Health and Genetics/Laboratory Corporation of America, LabCorp).